The following is an entry in ClinVar:

ClinVar aggregate classification (germline): Uncertain significance (1 of 4 stars; one submission).

Submission:

GeneDx
Classification: Uncertain significance. Last evaluated: 2024-02-23. Review status: criteria provided, single submitter. Criteria: GeneDx Variant Classification Process June 2021. Collection method: clinical testing. Allele origin: germline. Affected: yes.
Comment: Has not been previously published as pathogenic or benign to our knowledge; Not observed at significant frequency in large population cohorts (gnomAD); In silico analysis supports that this missense variant has a deleterious effect on protein structure/function

NM_001130438.3(SPTAN1):c.4091C>T (p.Ser1364Leu)

Gene: SPTAN1 (spectrin alpha, non-erythrocytic 1; plus strand). Cytogenetic location: 9q34.11.
Variant type: single nucleotide variant.
Coding change: c.4091C>T on transcript NM_001130438.3 (MANE Select); coding-DNA position 4091, C replaced by T.
Protein change: p.Ser1364Leu; replaces serine 1364 with leucine.
Molecular consequence: missense variant.
Genome position (GRCh38, 1-based): chr9:128,607,648, C>T. VCF-style: chr9-128607648-C-T. GRCh37 (hg19) VCF-style: chr9-131369927-C-T.
Other names: c.4031C>T, p.Ser1344Leu (NM_001195532.2, NM_001363765.2, NM_001375314.2); c.4091C>T, p.Ser1364Leu (NM_001363759.2, NM_001375310.1, NM_001375311.2 and 2 more transcripts); c.4127C>T, p.Ser1376Leu (NM_001375312.2, NM_001375318.1); short protein forms S1344L, S1364L, S1376L.
Identifiers: ClinVar variation 3369434 (VCV003369434.1).